The following is an entry in ClinVar:

NM_001165963.4(SCN1A):c.4158_4163delinsATAATCATACTGATTGCCTAAAACTAAT (p.Asp1386_Glu1388delinsGluTer)

Genes: SCN1A (sodium voltage-gated channel alpha subunit 1; minus strand), LOC102724058 (uncharacterized LOC102724058; plus strand). Cytogenetic location: 2q24.3.
Variant type: Indel.
Coding change: c.4158_4163delinsATAATCATACTGATTGCCTAAAACTAAT on transcript NM_001165963.4 (MANE Select); coding-DNA positions 4158 to 4163, CATCGA replaced by ATAATCATACTGATTGCCTAAAACTAAT.
Protein change: p.Asp1386_Glu1388delinsGluTer.
Molecular consequence: nonsense. On other transcripts: non-coding transcript variant (1).
Genome position (GRCh38, 1-based): chr2:166,002,593-166,002,598, TCGATG replaced by ATTAGTTTTAGGCAATCAGTATGATTAT on the plus strand (CATCGA replaced by ATAATCATACTGATTGCCTAAAACTAAT on the coding strand, the reverse complement: SCN1A is on the minus strand). GRCh37 (hg19): chr2:166,859,103-166,859,108.
Other names: c.4074_4079delinsATAATCATACTGATTGCCTAAAACTAAT, p.Asp1358_Glu1360delinsGluTer (NM_001165964.3, NM_001353957.2, NM_001353958.2); c.4158_4163delinsATAATCATACTGATTGCCTAAAACTAAT, p.Asp1386_Glu1388delinsGluTer (NM_001202435.3, NM_001353948.2); c.4125_4130delinsATAATCATACTGATTGCCTAAAACTAAT, p.Asp1375_Glu1377delinsGluTer (NM_001353949.2, NM_001353950.2, NM_001353951.2 and 2 more transcripts); c.4122_4127delinsATAATCATACTGATTGCCTAAAACTAAT, p.Asp1374_Glu1376delinsGluTer (NM_001353954.2, NM_001353955.2); c.4071_4076delinsATAATCATACTGATTGCCTAAAACTAAT, p.Asp1357_Glu1359delinsGluTer (NM_001353960.2); c.1716_1721delinsATAATCATACTGATTGCCTAAAACTAAT, p.Asp572_Glu574delinsGluTer (NM_001353961.2).
Identifiers: ClinVar variation 265664 (VCV000265664.1), dbSNP rs886039712, ClinGen allele CA10588319.

ClinVar aggregate classification (germline): Pathogenic (1 of 4 stars; one submission).

Submission:

GeneDx
Classification: Pathogenic. Last evaluated: 2016-08-15. Review status: criteria provided, single submitter. Criteria: GeneDx Variant Classification (06012015). Collection method: clinical testing. Allele origin: germline. Affected: yes.
Comment: The c.4158_4163delCATCGAins28 pathogenic variant in the SCN1A gene causes a frameshift starting with codon Aspartic acid 1386, changes this amino acid to a Glutamic acid residue and creates a premature Stop codon at position 2 of the new reading frame, denoted p.Asp1386GlufsX2. This pathogenic variant is predicted to cause loss of normal protein function either through protein truncation or nonsense-mediated mRNA decay.